The following is an entry in ClinVar:

NM_001394998.1(TANC2):c.6081C>A (p.Ser2027=)

Gene: TANC2 (tetratricopeptide repeat, ankyrin repeat and coiled-coil containing 2; plus strand). Cytogenetic location: 17q23.3.
Variant type: single nucleotide variant.
Coding change: c.6081C>A on transcript NM_001394998.1 (MANE Select); coding-DNA position 6081, C replaced by A.
Protein change: p.Ser2027=; no amino-acid change (serine 2027 retained).
Molecular consequence: synonymous variant.
Genome position (GRCh38, 1-based): chr17:63,421,811, C>A. VCF-style: chr17-63421811-C-A. GRCh37 (hg19) VCF-style: chr17-61499172-C-A.
Other names: c.5859C>A, p.Ser1953= (NM_001411076.1); c.5829C>A, p.Ser1943= (NM_025185.4).
Identifiers: ClinVar variation 2648074 (VCV002648074.24), dbSNP rs1407936720, ClinGen allele CA501178129.

ClinVar aggregate classification (germline): Likely benign (1 of 4 stars; one submission).

Submission:

CeGaT Center for Human Genetics Tuebingen
Classification: Likely benign. Last evaluated: 2022-04-01. Review status: criteria provided, single submitter. Criteria: CeGaT Center For Human Genetics Tuebingen Variant Classification Criteria Version 2. Collection method: clinical testing. Allele origin: germline. Affected: yes. Observed: 1 variant allele.
Comment: TANC2: PM2:Supporting, BP4, BP7